The following is an entry in ClinVar:

NM_001291303.3(FAT4):c.9468T>C (p.Tyr3156=)

Gene: FAT4 (FAT atypical cadherin 4; plus strand). Cytogenetic location: 4q28.1.
Variant type: single nucleotide variant.
Coding change: c.9468T>C on transcript NM_001291303.3 (MANE Select); coding-DNA position 9468, T replaced by C.
Protein change: p.Tyr3156=; no amino-acid change (tyrosine 3156 retained).
Molecular consequence: synonymous variant.
Genome position (GRCh38, 1-based): chr4:125,450,478, T>C. VCF-style: chr4-125450478-T-C. GRCh37 (hg19) VCF-style: chr4-126371633-T-C.
Other names: c.9462T>C (NM_024582.4); c.9468T>C, p.Tyr3156= (NM_001291285.3); c.9462T>C, p.Tyr3154= (NM_024582.6).
Identifiers: ClinVar variation 1981248 (VCV001981248.5), dbSNP rs2530903475, ClinGen allele CA441371358.

ClinVar aggregate classification (germline): Likely benign. Review status: criteria provided, multiple submitters, no conflicts (2 of 4 stars). 2 submissions from 2 submitters: Likely benign (2). Last evaluated 2025-05-04.

Conditions:
FAT4-related disorder. Also called: FAT4-related condition.

Allele frequency attached by ClinVar (database versions not stated): gnomAD exomes below 0.00001.
gnomAD v4.1: 1 of 1,614,028 alleles (0.000062%); highest among the groups gnomAD compares: Non-Finnish European, 0.000085%; no homozygotes.

Submissions (2):

PreventionGenetics, part of Exact Sciences
Classification: Likely benign for FAT4-related condition. Last evaluated: 2025-05-04. Review status: criteria provided, single submitter. Criteria: ACMG Guidelines, 2015. Collection method: clinical testing. Allele origin: germline.
Comment: This variant is classified as likely benign based on ACMG/AMP sequence variant interpretation guidelines (Richards et al. 2015 PMID: 25741868, with internal and published modifications).

Labcorp Genetics (formerly Invitae), Labcorp
Classification: Likely benign. Last evaluated: 2024-10-17. Review status: criteria provided, single submitter. Criteria: Invitae Variant Classification Sherloc (09022015). Collection method: clinical testing. Allele origin: germline.